The following is an entry in ClinVar:

ClinVar aggregate classification (germline): Benign. Review status: criteria provided, multiple submitters, no conflicts (2 of 4 stars). 4 submissions from 4 submitters: Benign (4). Last evaluated 2020-03-25.

Conditions:
Vitamin D-dependent rickets type II with alopecia (VDDR2A). Also called: GENERALIZED RESISTANCE TO 1,25-DIHYDROXYVITAMIN D; HYPOCALCEMIC VITAMIN D-RESISTANT RICKETS; PDDR IIA; PSEUDOVITAMIN D-DEFICIENCY, TYPE IIA; RICKETS, HEREDITARY VITAMIN D-RESISTANT; RICKETS-ALOPECIA SYNDROME. Identifiers: Orphanet 93160, MedGen C0342646, MONDO:0010186, OMIM 277440.

Allele frequency attached by ClinVar (database versions not stated): 1000 Genomes Project 0.16514; 1000 Genomes Project 30x 0.16552; TOPMed 0.25287.
gnomAD v4.1: 270,080 of 875,608 alleles (31%); highest among the groups gnomAD compares: Non-Finnish European, 33%; 43,606 homozygotes.

Submissions (4):

Dubai Health Genomic Medicine Center, Dubai Health
Classification: Benign. Last evaluated: 2020-03-25. Review status: criteria provided, single submitter. Criteria: ACMG Guidelines, 2015. Collection method: clinical testing. Allele origin: germline. Affected: yes.

Blueprint Genetics
Classification: Benign. Last evaluated: 2020-03-16. Review status: criteria provided, single submitter. Criteria: ACMG Guidelines, 2015. Collection method: clinical testing. Allele origin: germline.

Illumina Laboratory Services, Illumina
Classification: Benign for Vitamin D-dependent rickets type II with alopecia. Last evaluated: 2018-01-13. Review status: criteria provided, single submitter. Criteria: ICSL Variant Classification Criteria 13 December 2019. Collection method: clinical testing. Allele origin: germline.
Comment: This variant was observed in the ICSL laboratory as part of a predisposition screen in an ostensibly healthy population. It had not been previously curated by ICSL or reported in the Human Gene Mutation Database (HGMD: prior to June 1st, 2018), and was therefore a candidate for classification through an automated scoring system. Utilizing variant allele frequency, disease prevalence and penetrance estimates, and inheritance mode, an automated score was calculated to assess if this variant is too frequent to cause the disease. Based on the score and internal cut-off values, a variant classified as benign is not then subjected to further curation. The score for this variant resulted in a classification of benign for this disease.

Breakthrough Genomics
Classification: Benign. Review status: criteria provided, single submitter. Criteria: ACMG Guidelines, 2015. Collection method: not provided. Allele origin: germline. Inheritance: Autosomal recessive inheritance. Affected: yes.

NM_000376.3(VDR):c.-84+5133G>C

Gene: VDR (vitamin D receptor; minus strand). Cytogenetic location: 12q13.11.
Variant type: single nucleotide variant.
Coding change: c.-84+5133G>C on transcript NM_000376.3 (MANE Select); 5133 bases into the intron after 84 bases upstream of the start codon, G replaced by C.
Molecular consequence: intron variant.
Genome position (GRCh38, 1-based): chr12:47,899,822, C>G on the plus strand (G>C on the coding strand, the complement: VDR is on the minus strand). VCF-style: chr12-47899822-C-G. GRCh37 (hg19) VCF-style: chr12-48293605-C-G.
Other names: c.-3+5133G>C (NM_001374662.1); c.-84+5133G>C (NM_001364085.2); c.-84+15G>C (NM_001017535.2); c.67+4742G>C (NM_001017536.2); c.-3+15G>C (NM_001374661.1).
Identifiers: ClinVar variation 308889 (VCV000308889.9), dbSNP rs11168292, ClinGen allele CA10632870.
Genomic context (GRCh38, chr12:47,899,822, plus strand): 5'-CCTTGGGCAGGTGGCTGCATCTCTTTAGACCTTGGTTTCCCCACTATGCCTGCTAGAGAA[C>G]ATAACTGTACTTACCCCAAAGAGAAGCTATGAGGATTGAGGGAGGCAAGCAAAGCAATGT-3'